The following is an entry in ClinVar:

ClinVar aggregate classification (germline): Uncertain significance (1 of 4 stars; one submission).

Submission:

GeneDx
Classification: Uncertain significance. Last evaluated: 2026-03-03. Review status: criteria provided, single submitter. Criteria: GeneDx Variant Classification Process June 2021. Collection method: clinical testing. Allele origin: germline.
Comment: Not observed at significant frequency in large population cohorts (gnomAD); In silico analysis supports that this missense variant has a deleterious effect on protein structure/function; Has not been previously published as pathogenic or benign to our knowledge

NM_000069.3(CACNA1S):c.557T>C (p.Leu186Pro)

Gene: CACNA1S (calcium voltage-gated channel subunit alpha1 S; minus strand). Cytogenetic location: 1q32.1.
Variant type: single nucleotide variant.
Coding change: c.557T>C on transcript NM_000069.3 (MANE Select); coding-DNA position 557, T replaced by C.
Protein change: p.Leu186Pro; replaces leucine 186 with proline.
Molecular consequence: missense variant.
Genome position (GRCh38, 1-based): chr1:201,091,777, A>G on the plus strand (T>C on the coding strand, the complement: CACNA1S is on the minus strand). VCF-style: chr1-201091777-A-G. GRCh37 (hg19) VCF-style: chr1-201060905-A-G.
Other names: short protein forms L186P.
Identifiers: ClinVar variation 5008493 (VCV005008493.1).